The following is an entry in ClinVar:

ClinVar aggregate classification (germline): Likely benign. Review status: criteria provided, multiple submitters, no conflicts (2 of 4 stars). 3 submissions from 3 submitters: Likely benign (3). Last evaluated 2024-11-08.

Allele frequency attached by ClinVar (database versions not stated): gnomAD exomes 0.00007; ExAC 0.00008; gnomAD 0.00015 and 0.00016.
gnomAD v4.1: 135 of 1,612,536 alleles (0.0084%); highest among the groups gnomAD compares: African/African-American, 0.045%; no homozygotes.

Submissions (3):

Blueprint Genetics
Classification: Likely benign. Last evaluated: 2024-11-08. Review status: criteria provided, single submitter. Criteria: ACMG Guidelines, 2015. Collection method: clinical testing. Allele origin: germline.

Labcorp Genetics (formerly Invitae), Labcorp
Classification: Likely benign. Last evaluated: 2024-11-06. Review status: criteria provided, single submitter. Criteria: Invitae Variant Classification Sherloc (09022015). Collection method: clinical testing. Allele origin: germline.

GeneDx
Classification: Likely benign. Last evaluated: 2016-08-03. Review status: criteria provided, single submitter. Criteria: GeneDx Variant Classification (06012015). Collection method: clinical testing. Allele origin: germline. Affected: yes.
Comment: This variant is considered likely benign or benign based on one or more of the following criteria: it is a conservative change, it occurs at a poorly conserved position in the protein, it is predicted to be benign by multiple in silico algorithms, and/or has population frequency not consistent with disease.

NM_178012.5(TUBB2B):c.447C>A (p.Thr149=)

Gene: TUBB2B (tubulin beta 2B class IIb; minus strand). Cytogenetic location: 6p25.2.
Variant type: single nucleotide variant.
Coding change: c.447C>A on transcript NM_178012.5 (MANE Select); coding-DNA position 447, C replaced by A.
Protein change: p.Thr149=; no amino-acid change (threonine 149 retained).
Molecular consequence: synonymous variant.
Genome position (GRCh38, 1-based): chr6:3,225,642, G>T on the plus strand (C>A on the coding strand, the complement: TUBB2B is on the minus strand). VCF-style: chr6-3225642-G-T. GRCh37 (hg19) VCF-style: chr6-3225876-G-T.
Identifiers: ClinVar variation 388120 (VCV000388120.9), dbSNP rs111690866, ClinGen allele CA3619197.
Genomic context (GRCh38, chr6:3,225,642, plus strand): 5'-GACGCTGAAGGTGTTCATGATGCGGTCTGGGTACTCTTCCCGGATCTTGCTGATGAGCAG[G>T]GTGCCCATCCCGGACCCCGTGCCGCCCCCCAGAGAGTGGGTCAGCTGGAAGCCCTGGAGA-3'
Protein context (NP_821080.1, residues 139-159): LGGGTGSGMG[Thr149=]LLISKIREEY